The following is an entry in ClinVar:

NM_000455.5(STK11):c.176_181del (p.Ser59_Gly61delinsCys)

Gene: STK11 (serine/threonine kinase 11; plus strand). Cytogenetic location: 19p13.3.
Variant type: Deletion.
Coding change: c.176_181del on transcript NM_000455.5 (MANE Select); coding-DNA positions 176 to 181, 6 bases deleted (CTTACG; older notation c.176_181delCTTACG).
Protein change: p.Ser59_Gly61delinsCys.
Molecular consequence: inframe indel. On other transcripts: non-coding transcript variant (1).
Genome position (GRCh38, 1-based): chr19:1,207,089-1,207,094, CTTACG deleted. VCF-style (leftmost placement, unchanged base first): chr19-1207088-TCTTACG-T. GRCh37 (hg19) VCF-style: chr19-1207087-TCTTACG-T.
Other names: c.176_181del, p.Ser59_Gly61delinsCys (NM_001407255.1).
Identifiers: ClinVar variation 4727039 (VCV004727039.1).

ClinVar aggregate classification (germline): Uncertain significance (1 of 4 stars; one submission).

Conditions:
Peutz-Jeghers syndrome (PJS). Also called: POLYPOSIS, HAMARTOMATOUS INTESTINAL; POLYPS-AND-SPOTS SYNDROME; Peutz-Jeghers polyposis; Periorificial lentiginosis syndrome. Identifiers: Orphanet 2869, MedGen C0031269, MeSH D010580, MONDO:0008280, OMIM 175200.

Submission:

Labcorp Genetics (formerly Invitae), Labcorp
Classification: Uncertain significance for Peutz-Jeghers syndrome. Last evaluated: 2025-09-11. Review status: criteria provided, single submitter. Criteria: Invitae Variant Classification Sherloc (09022015). Collection method: clinical testing. Allele origin: germline.
Comment: This variant, c.176_181del, is a complex sequence change that results in the deletion of 2 and insertion of 1 amino acid(s) in the STK11 protein (p.Ser59_Gly61delinsCys). This variant is not present in population databases (gnomAD no frequency). This variant has not been reported in the literature in individuals affected with STK11-related conditions. Experimental studies and prediction algorithms are not available or were not evaluated, and the functional significance of this variant is currently unknown. In summary, the available evidence is currently insufficient to determine the role of this variant in disease. Therefore, it has been classified as a Variant of Uncertain Significance.